The following is an entry in ClinVar:

NM_001042492.3(NF1):c.5482C>T (p.Arg1828Trp)

Gene: NF1 (neurofibromin 1; plus strand). Cytogenetic location: 17q11.2.
Variant type: single nucleotide variant.
Coding change: c.5482C>T on transcript NM_001042492.3 (MANE Select); coding-DNA position 5482, C replaced by T.
Protein change: p.Arg1828Trp; replaces arginine 1828 with tryptophan.
Molecular consequence: missense variant.
Genome position (GRCh38, 1-based): chr17:31,327,712, C>T. VCF-style: chr17-31327712-C-T. GRCh37 (hg19) VCF-style: chr17-29654730-C-T.
Other names: c.5419C>T, p.Arg1807Trp (NM_000267.4); short protein forms R1828W, R1807W.
Identifiers: ClinVar variation 485936 (VCV000485936.19), dbSNP rs1555533609, ClinGen allele CA399009539.

ClinVar aggregate classification (germline): Conflicting classifications of pathogenicity. Review status: criteria provided, conflicting classifications (1 of 4 stars). 5 submissions from 5 submitters: Uncertain significance (4); Likely benign (1). Last evaluated 2025-11-24.

Conditions:
Cardiovascular phenotype. Identifiers: MedGen CN230736.
Hereditary cancer-predisposing syndrome. Also called: Tumor predisposition; Neoplastic Syndromes, Hereditary; Hereditary Cancer Syndrome; Hereditary neoplastic syndrome. Identifiers: Orphanet 140162, MedGen C0027672, MeSH D009386, MONDO:0015356.
Neurofibromatosis, type 1 (NF1). Also called: NEUROFIBROMATOSIS, TYPE I, SOMATIC; VON RECKLINGHAUSEN DISEASE; Neurofibromatosis, type I; Peripheral type neurofibromatosis. Identifiers: Orphanet 636, MedGen C0027831, MONDO:0018975, OMIM 162200. Disease mechanism: loss of function.

Allele frequency attached by ClinVar (database versions not stated): gnomAD exomes 0.00001.
gnomAD v4.1: 10 of 1,614,120 alleles (0.00062%); highest among the groups gnomAD compares: Non-Finnish European, 0.00085%; no homozygotes.

Submissions (5):

Ambry Genetics
Classification: Uncertain significance for Cardiovascular phenotype; Hereditary cancer-predisposing syndrome. Last evaluated: 2025-11-24. Review status: criteria provided, single submitter. Criteria: Ambry Variant Classification Scheme 2023. Collection method: clinical testing. Allele origin: germline.
Comment: The p.R1807W variant (also known as c.5419C>T), located in coding exon 37 of the NF1 gene, results from a C to T substitution at nucleotide position 5419. The arginine at codon 1807 is replaced by tryptophan, an amino acid with dissimilar properties. This amino acid position is highly conserved in available vertebrate species. In addition, this alteration is predicted to be deleterious by in silico analysis. Based on the available evidence, the clinical significance of this variant remains unclear.

Labcorp Genetics (formerly Invitae), Labcorp
Classification: Likely benign for Neurofibromatosis, type 1. Last evaluated: 2025-06-29. Review status: criteria provided, single submitter. Criteria: Invitae Variant Classification Sherloc (09022015). Collection method: clinical testing. Allele origin: germline.

Quest Diagnostics Nichols Institute San Juan Capistrano
Classification: Uncertain significance. Last evaluated: 2024-10-29. Review status: criteria provided, single submitter. Criteria: Quest Diagnostics criteria. Collection method: clinical testing. Allele origin: unknown.
Comment: The NF1 c.5419C>T (p.Arg1807Trp) variant has been reported in the published literature in an individual with breast cancer (PMID: 33471991 (2021), see also LOVD). This variant has also been identified in a pediatric case of ependymoma (PMID: 26580448 (2015)). This variant has not been reported in large, multi-ethnic general populations (Genome Aggregation Database). Analysis of this variant using bioinformatics tools for the prediction of the effect of amino acid changes on protein structure and function yielded predictions that this variant is damaging. Based on the available information, we are unable to determine the clinical significance of this variant.

GeneDx
Classification: Uncertain significance. Last evaluated: 2023-02-08. Review status: criteria provided, single submitter. Criteria: GeneDx Variant Classification Process June 2021. Collection method: clinical testing. Allele origin: germline. Affected: yes.
Comment: Not observed at significant frequency in large population cohorts (gnomAD); In silico analysis supports that this missense variant has a deleterious effect on protein structure/function; Observed in an individual with ependymoma (Zhang et al., 2015); This variant is associated with the following publications: (PMID: 26580448, 21362601)

Genome-Nilou Lab
Classification: Uncertain significance for Neurofibromatosis, type 1. Last evaluated: 2022-03-15. Review status: criteria provided, single submitter. Criteria: ACMG Guidelines, 2015. Collection method: clinical testing. Allele origin: germline. Affected: no.

Literature cited by the submitters: PubMed 26580448 (cited by Ambry Genetics and Quest Diagnostics Nichols Institute San Juan Capistrano); PubMed 33471991 (cited by Quest Diagnostics Nichols Institute San Juan Capistrano); PubMed 10336779 (cited by Quest Diagnostics Nichols Institute San Juan Capistrano).